The following is an entry in ClinVar:

ClinVar aggregate classification (germline): Benign/Likely benign. Review status: criteria provided, multiple submitters, no conflicts (2 of 4 stars). 3 submissions from 3 submitters: Benign (1); Likely benign (2). Last evaluated 2018-06-16.

Allele frequency attached by ClinVar (database versions not stated): 1000 Genomes Project 0.00300; gnomAD exomes 0.01047 and 0.00877; 1000 Genomes Project 30x 0.00328; gnomAD 0.00745 and 0.00751; TOPMed 0.00745; ExAC 0.00903; ESP Exome Variant Server 0.00907.
gnomAD v4.1: 16,398 of 1,603,478 alleles (1%); highest among the groups gnomAD compares: Non-Finnish European, 1.2%; 109 homozygotes.

Submissions (3):

GeneDx
Classification: Likely benign. Last evaluated: 2018-06-16. Review status: criteria provided, single submitter. Criteria: GeneDx Variant Classification (06012015). Collection method: clinical testing. Allele origin: germline. Affected: yes.
Comment: This variant is considered likely benign or benign based on one or more of the following criteria: it is a conservative change, it occurs at a poorly conserved position in the protein, it is predicted to be benign by multiple in silico algorithms, and/or has population frequency not consistent with disease.

Breakthrough Genomics
Classification: Likely benign. Review status: criteria provided, single submitter. Criteria: ACMG Guidelines, 2015. Collection method: not provided. Allele origin: germline. Inheritance: Autosomal dominant inheritance. Affected: yes.

PreventionGenetics, part of Exact Sciences
Classification: Benign. Review status: criteria provided, single submitter. Criteria: ACMG Guidelines, 2015. Collection method: clinical testing. Allele origin: germline.

NM_001851.6(COL9A1):c.1666-32G>A

Gene: COL9A1 (collagen type IX alpha 1 chain; minus strand). Cytogenetic location: 6q13.
Variant type: single nucleotide variant.
Coding change: c.1666-32G>A on transcript NM_001851.6 (MANE Select); 32 bases into the intron before coding-DNA position 1666, G replaced by A.
Molecular consequence: intron variant.
Genome position (GRCh38, 1-based): chr6:70,254,561, C>T on the plus strand (G>A on the coding strand, the complement: COL9A1 is on the minus strand). VCF-style: chr6-70254561-C-T. GRCh37 (hg19) VCF-style: chr6-70964264-C-T.
Other names: c.937-32G>A (NM_001377290.1, NM_078485.4); c.967-32G>A (NM_001377289.1).
Identifiers: ClinVar variation 258348 (VCV000258348.3), dbSNP rs72923190, ClinGen allele CA3882079.